The following is an entry in ClinVar:

NM_001048174.2(MUTYH):c.647G>T (p.Cys216Phe)

Gene: MUTYH (mutY DNA glycosylase; minus strand). Cytogenetic location: 1p34.1.
Variant type: single nucleotide variant.
Coding change: c.647G>T on transcript NM_001048174.2 (MANE Select); coding-DNA position 647, G replaced by T.
Protein change: p.Cys216Phe; replaces cysteine 216 with phenylalanine.
Molecular consequence: missense variant. On other transcripts: non-coding transcript variant (2).
Genome position (GRCh38, 1-based): chr1:45,332,448, C>A on the plus strand (G>T on the coding strand, the complement: MUTYH is on the minus strand). VCF-style: chr1-45332448-C-A. GRCh37 (hg19) VCF-style: chr1-45798120-C-A.
Other names: c.647G>T, p.Cys216Phe (NM_001048171.2, NM_001048173.2, NM_001293195.2); c.650G>T, p.Cys217Phe (NM_001048172.2); c.731G>T, p.Cys244Phe (NM_001128425.2); c.692G>T, p.Cys231Phe (NM_001293190.2); c.680G>T, p.Cys227Phe (NM_001293191.2); c.371G>T, p.Cys124Phe (NM_001293192.2, NM_001293196.2); c.302G>T, p.Cys101Phe (NM_001350650.2, NM_001350651.2); c.722G>T, p.Cys241Phe (NM_012222.3); short protein forms C227F, C231F, C101F, C217F, C124F, C241F, C244F, C216F.
Identifiers: ClinVar variation 1498174 (VCV001498174.12), dbSNP rs375346290, ClinGen allele CA340134851.

ClinVar aggregate classification (germline): Conflicting classifications of pathogenicity. Review status: criteria provided, conflicting classifications (1 of 4 stars). 3 submissions from 3 submitters: Likely pathogenic (2); Uncertain significance (1). Last evaluated 2026-07-17.

Conditions:
Hereditary cancer-predisposing syndrome. Also called: Tumor predisposition; Hereditary Cancer Syndrome; Hereditary neoplastic syndrome; Neoplastic Syndromes, Hereditary. Identifiers: Orphanet 140162, MedGen C0027672, MeSH D009386, MONDO:0015356.
Familial adenomatous polyposis 2. Also called: MUTYH-associated polyposis; MUTYH-related attenuated familial adenomatous polyposis; COLORECTAL ADENOMATOUS POLYPOSIS, AUTOSOMAL RECESSIVE; ADENOMAS, MULTIPLE COLORECTAL, AUTOSOMAL RECESSIVE; MUTYH Polyposis; MYH-associated polyposis. Identifiers: Orphanet 220460, Orphanet 247798, MedGen C3272841, MONDO:0012041, OMIM 608456.

Submissions (3):

Myriad Genetics, Inc.
Classification: Likely pathogenic for Familial adenomatous polyposis 2. Last evaluated: 2026-07-17. Review status: criteria provided, single submitter. Criteria: Myriad Autosomal Dominant, Autosomal Recessive and X-Linked Classification Criteria (2023). Collection method: clinical testing. Allele origin: unknown.
Comment: This variant is considered likely pathogenic. Functional studies indicate this variant impacts protein function [PMID: 40738107]. This variant is expected to disrupt protein structure [Myriad internal data].

Ambry Genetics
Classification: Likely pathogenic for Hereditary cancer-predisposing syndrome. Last evaluated: 2025-08-15. Review status: criteria provided, single submitter. Criteria: Ambry Variant Classification Scheme 2023. Collection method: clinical testing. Allele origin: germline.
Comment: The p.C244F variant (also known as c.731G>T), located in coding exon 9 of the MUTYH gene, results from a G to T substitution at nucleotide position 731. The cysteine at codon 244 is replaced by phenylalanine, an amino acid with highly dissimilar properties. In a massively parallel cell-based functional assay testing 7,8-dihydro-8- oxoguanine:adenine (8OG:A) repair activity, a byproduct of oxidative damage, this variant was reported to be non-functional (Hemker SL et al. Am J Hum Genet. Published online July 29, 2025. DOI: 10.1016/j.ajhg.2025.07.005). This amino acid position is highly conserved in available vertebrate species. In addition, this alteration is predicted to be deleterious by in silico analysis. This variant is considered to be rare based on population cohorts in the Genome Aggregation Database (gnomAD). Based on the majority of available evidence to date, this variant is likely to be pathogenic.

Labcorp Genetics (formerly Invitae), Labcorp
Classification: Uncertain significance for Familial adenomatous polyposis 2. Last evaluated: 2021-01-05. Review status: criteria provided, single submitter. Criteria: Invitae Variant Classification Sherloc (09022015). Collection method: clinical testing. Allele origin: germline.
Comment: In summary, the available evidence is currently insufficient to determine the role of this variant in disease. Therefore, it has been classified as a Variant of Uncertain Significance. Algorithms developed to predict the effect of missense changes on protein structure and function are either unavailable or do not agree on the potential impact of this missense change (SIFT: "Deleterious"; PolyPhen-2: "Probably Damaging"; Align-GVGD: "Class C15"). This variant has not been reported in the literature in individuals with MUTYH-related conditions. This variant is not present in population databases (ExAC no frequency). This sequence change replaces cysteine with phenylalanine at codon 244 of the MUTYH protein (p.Cys244Phe). The cysteine residue is highly conserved and there is a large physicochemical difference between cysteine and phenylalanine.

Literature cited by the submitters: PubMed 40738107 (cited by Myriad Genetics, Inc. and Ambry Genetics).